The following is an entry in ClinVar:

NM_052876.4(NACC1):c.850G>A (p.Glu284Lys)

Gene: NACC1 (nucleus accumbens associated 1; plus strand). Cytogenetic location: 19p13.13.
Variant type: single nucleotide variant.
Coding change: c.850G>A on transcript NM_052876.4 (MANE Select); coding-DNA position 850, G replaced by A.
Protein change: p.Glu284Lys; replaces glutamic acid 284 with lysine.
Molecular consequence: missense variant.
Genome position (GRCh38, 1-based): chr19:13,136,057, G>A. VCF-style: chr19-13136057-G-A. GRCh37 (hg19) VCF-style: chr19-13246871-G-A.
Other names: short protein forms E284K.
Identifiers: ClinVar variation 4741213 (VCV004741213.1).

ClinVar aggregate classification (germline): Uncertain significance (1 of 4 stars; one submission).

gnomAD v4.1: 2 of 1,613,988 alleles (0.00012%); highest among the groups gnomAD compares: Non-Finnish European, 0.00017%; no homozygotes.

Submission:

Labcorp Genetics (formerly Invitae), Labcorp
Classification: Uncertain significance. Last evaluated: 2025-04-08. Review status: criteria provided, single submitter. Criteria: Invitae Variant Classification Sherloc (09022015). Collection method: clinical testing. Allele origin: germline.
Comment: This sequence change replaces glutamic acid, which is acidic and polar, with lysine, which is basic and polar, at codon 284 of the NACC1 protein (p.Glu284Lys). This variant is not present in population databases (gnomAD no frequency). This variant has not been reported in the literature in individuals affected with NACC1-related conditions. Invitae Evidence Modeling of protein sequence and biophysical properties (such as structural, functional, and spatial information, amino acid conservation, physicochemical variation, residue mobility, and thermodynamic stability) indicates that this missense variant is not expected to disrupt NACC1 protein function with a negative predictive value of 80%. In summary, the available evidence is currently insufficient to determine the role of this variant in disease. Therefore, it has been classified as a Variant of Uncertain Significance.